The following is an entry in ClinVar:

NM_004588.5(SCN2B):c.557A>G (p.Lys186Arg)

Gene: SCN2B (sodium voltage-gated channel beta subunit 2; minus strand). Cytogenetic location: 11q23.3.
Variant type: single nucleotide variant.
Coding change: c.557A>G on transcript NM_004588.5 (MANE Select); coding-DNA position 557, A replaced by G.
Protein change: p.Lys186Arg; replaces lysine 186 with arginine.
Molecular consequence: missense variant.
Genome position (GRCh38, 1-based): chr11:118,166,978, T>C on the plus strand (A>G on the coding strand, the complement: SCN2B is on the minus strand). VCF-style: chr11-118166978-T-C. GRCh37 (hg19) VCF-style: chr11-118037693-T-C.
Other names: short protein forms K186R.
Identifiers: ClinVar variation 4726135 (VCV004726135.1).

ClinVar aggregate classification (germline): Uncertain significance (1 of 4 stars; one submission).

Conditions:
Atrial fibrillation, familial, 14 (ATFB14). Identifiers: MedGen C3809312, MONDO:0014156, OMIM 615378.

gnomAD v4.1: 2 of 1,614,084 alleles (0.00012%); highest among the groups gnomAD compares: East Asian, 0.0022%; no homozygotes.

Submission:

Labcorp Genetics (formerly Invitae), Labcorp
Classification: Uncertain significance for Atrial fibrillation, familial, 14. Last evaluated: 2025-12-25. Review status: criteria provided, single submitter. Criteria: Invitae Variant Classification Sherloc (09022015). Collection method: clinical testing. Allele origin: germline.
Comment: This sequence change replaces lysine, which is basic and polar, with arginine, which is basic and polar, at codon 186 of the SCN2B protein (p.Lys186Arg). This variant is not present in population databases (gnomAD no frequency). This variant has not been reported in the literature in individuals affected with SCN2B-related conditions. An algorithm developed to predict the effect of missense changes on protein structure and function (PolyPhen-2) suggests that this variant is likely to be disruptive. In summary, the available evidence is currently insufficient to determine the role of this variant in disease. Therefore, it has been classified as a Variant of Uncertain Significance.